The following is an entry in ClinVar:

NM_004415.4(DSP):c.3393A>G (p.Arg1131=)

Gene: DSP (desmoplakin; plus strand). Cytogenetic location: 6p24.3.
Variant type: single nucleotide variant.
Coding change: c.3393A>G on transcript NM_004415.4 (MANE Select); coding-DNA position 3393, A replaced by G.
Protein change: p.Arg1131=; no amino-acid change (arginine 1131 retained).
Molecular consequence: synonymous variant.
Genome position (GRCh38, 1-based): chr6:7,579,583, A>G. VCF-style: chr6-7579583-A-G. GRCh37 (hg19) VCF-style: chr6-7579816-A-G.
Other names: c.3393A>G (NM_004415.3); c.3393A>G, p.Arg1131= (NM_001008844.3, NM_001319034.2).
Identifiers: ClinVar variation 1730921 (VCV001730921.9), dbSNP rs753254231, ClinGen allele CA037969.
Genomic context (GRCh38, chr6:7,579,583, plus strand): 5'-CACCCGACTGACTTATGAGATTGAAGATGAAAAGAGAAGAAGAAAATCTGTGGAAGACAG[A>G]TTTGACCAACAGAAGAATGACTATGACCAACTGCAGAAAGCAAGGCAATGTGAAAAGGAG-3'
Protein context (NP_004406.2, residues 1121-1141): EKRRRKSVED[Arg1131=]FDQQKNDYDQ

ClinVar aggregate classification (germline): Conflicting classifications of pathogenicity. Review status: criteria provided, conflicting classifications (1 of 4 stars). 4 submissions from 4 submitters: Uncertain significance (1); Likely benign (3). Last evaluated 2026-04-14.

Conditions:
DSP-related disorder. Also called: DSP-related condition; DSP-related disorders.
Cardiovascular phenotype. Identifiers: MedGen CN230736.
Arrhythmogenic cardiomyopathy with wooly hair and keratoderma. Also called: Arrhythmogenic cardiomyopathy with woolly hair and keratoderma; PALMOPLANTAR KERATODERMA WITH LEFT VENTRICULAR CARDIOMYOPATHY AND WOOLLY HAIR; Carvajal syndrome; Dilated cardiomyopathy with woolly hair and keratoderma. Identifiers: Orphanet 65282, MedGen C1854063, MONDO:0011581, OMIM 605676.
Arrhythmogenic right ventricular dysplasia 8 (ARVD8). Also called: ARRHYTHMOGENIC RIGHT VENTRICULAR DYSPLASIA, FAMILIAL, 8; ARRHYTHMOGENIC RIGHT VENTRICULAR CARDIOMYOPATHY 8; Arrhythmogenic Right Ventricular Dysplasia/Cardiomyopathy 8. Identifiers: MedGen C1843896, MONDO:0011831, OMIM 607450.

gnomAD v4.1: 19 of 1,613,980 alleles (0.0012%); highest among the groups gnomAD compares: Non-Finnish European, 0.0014%; no homozygotes.

Submissions (4):

PreventionGenetics, part of Exact Sciences
Classification: Likely benign for DSP-related condition. Last evaluated: 2026-04-14. Review status: criteria provided, single submitter. Criteria: ACMG Guidelines, 2015. Collection method: clinical testing. Allele origin: germline.
Comment: This variant is classified as likely benign based on ACMG/AMP sequence variant interpretation guidelines (Richards et al. 2015 PMID: 25741868, with internal and published modifications).

All of Us Research Program, National Institutes of Health
Classification: Uncertain significance for Arrhythmogenic cardiomyopathy with wooly hair and keratoderma. Last evaluated: 2024-01-11. Review status: criteria provided, single submitter. Criteria: ACMG Guidelines, 2015. Collection method: clinical testing. Allele origin: germline. Inheritance: Autosomal dominant inheritance. Observed: 3 variant alleles, 3 heterozygotes.
Comment: This variant is located in the DSP protein. To our knowledge, functional studies have not been reported for this variant. This variant has not been reported in individuals affected with DSP-related disorders in the literature. This variant has been identified in 2/249948 chromosomes in the general population by the Genome Aggregation Database (gnomAD). The available evidence is insufficient to determine the role of this variant in disease conclusively. Therefore, this variant is classified as a Variant of Uncertain Significance.

This study involves interpretation of variants in research participants for the purpose of population health screening. Participant phenotype was not available at the time of variant classification. Additional details can be found in publication PMID: 35346344, PMCID: PMC8962531

Labcorp Genetics (formerly Invitae), Labcorp
Classification: Likely benign for Arrhythmogenic cardiomyopathy with wooly hair and keratoderma; Arrhythmogenic right ventricular dysplasia 8. Last evaluated: 2023-04-14. Review status: criteria provided, single submitter. Criteria: Invitae Variant Classification Sherloc (09022015). Collection method: clinical testing. Allele origin: germline.

Ambry Genetics
Classification: Likely benign for Cardiovascular phenotype. Last evaluated: 2022-04-05. Review status: criteria provided, single submitter. Criteria: Ambry Variant Classification Scheme 2023. Collection method: clinical testing. Allele origin: germline.